The following is an entry in ClinVar:

NM_152703.5(SAMD9L):c.1168A>G (p.Lys390Glu)

Gene: SAMD9L (sterile alpha motif domain containing 9 like; minus strand). Cytogenetic location: 7q21.2.
Variant type: single nucleotide variant.
Coding change: c.1168A>G on transcript NM_152703.5 (MANE Select); coding-DNA position 1168, A replaced by G.
Protein change: p.Lys390Glu; replaces lysine 390 with glutamic acid.
Molecular consequence: missense variant.
Genome position (GRCh38, 1-based): chr7:93,134,804, T>C on the plus strand (A>G on the coding strand, the complement: SAMD9L is on the minus strand). VCF-style: chr7-93134804-T-C. GRCh37 (hg19) VCF-style: chr7-92764117-T-C.
Other names: c.1168A>G, p.Lys390Glu (NM_001350084.2, NM_001350085.2, NM_001303497.3 and 5 more transcripts); c.1168A>G (NM_152703.2); short protein forms K390E.
Identifiers: ClinVar variation 3616464 (VCV003616464.3).

ClinVar aggregate classification (germline): Uncertain significance. Review status: criteria provided, multiple submitters, no conflicts (2 of 4 stars). 2 submissions from 2 submitters: Uncertain significance (2). Last evaluated 2024-12-20.

Conditions:
Inborn genetic diseases. Identifiers: MedGen C0950123, MeSH D030342.

gnomAD v4.1: 22 of 1,613,700 alleles (0.0014%); highest among the groups gnomAD compares: Non-Finnish European, 0.0018%; no homozygotes.

Submissions (2):

Ambry Genetics
Classification: Uncertain significance for Inborn genetic diseases. Last evaluated: 2024-12-20. Review status: criteria provided, single submitter. Criteria: Ambry Variant Classification Scheme 2023. Collection method: clinical testing. Allele origin: germline.
Comment: The p.K390E variant (also known as c.1168A>G), located in coding exon 1 of the SAMD9L gene, results from an A to G substitution at nucleotide position 1168. The lysine at codon 390 is replaced by glutamic acid, an amino acid with similar properties. This amino acid position is conserved. In addition, this alteration is predicted to be tolerated by in silico analysis. Based on the available evidence, the clinical significance of this variant remains unclear.

Labcorp Genetics (formerly Invitae), Labcorp
Classification: Uncertain significance. Last evaluated: 2024-06-24. Review status: criteria provided, single submitter. Criteria: Invitae Variant Classification Sherloc (09022015). Collection method: clinical testing. Allele origin: germline.
Comment: This sequence change replaces lysine, which is basic and polar, with glutamic acid, which is acidic and polar, at codon 390 of the SAMD9L protein (p.Lys390Glu). This variant is present in population databases (rs777704581, gnomAD 0.0009%). This variant has not been reported in the literature in individuals affected with SAMD9L-related conditions. Advanced modeling of protein sequence and biophysical properties (such as structural, functional, and spatial information, amino acid conservation, physicochemical variation, residue mobility, and thermodynamic stability) performed at Invitae indicates that this missense variant is not expected to disrupt SAMD9L protein function with a negative predictive value of 80%. In summary, the available evidence is currently insufficient to determine the role of this variant in disease. Therefore, it has been classified as a Variant of Uncertain Significance.